The following is an entry in ClinVar:

ClinVar aggregate classification (germline): Uncertain significance. Review status: criteria provided, multiple submitters, no conflicts (2 of 4 stars). 2 submissions from 2 submitters: Uncertain significance (2). Last evaluated 2025-08-07.

Conditions:
Baller-Gerold syndrome (BGS). Also called: CRANIOSYNOSTOSIS WITH RADIAL DEFECTS. Identifiers: Orphanet 1225, MedGen C0265308, MONDO:0009039, OMIM 218600.

Allele frequency attached by ClinVar (database versions not stated): TOPMed 0.00001.
gnomAD v4.1: 60 of 1,579,580 alleles (0.0038%); highest among the groups gnomAD compares: Middle Eastern, 0.017%; no homozygotes.

Submissions (2):

Labcorp Genetics (formerly Invitae), Labcorp
Classification: Uncertain significance for Baller-Gerold syndrome. Last evaluated: 2025-08-07. Review status: criteria provided, single submitter. Criteria: Invitae Variant Classification Sherloc (09022015). Collection method: clinical testing. Allele origin: germline.
Comment: This sequence change replaces arginine, which is basic and polar, with histidine, which is basic and polar, at codon 647 of the RECQL4 protein (p.Arg647His). The frequency data for this variant in the population databases is considered unreliable, as metrics indicate poor data quality at this position in the gnomAD database. This variant has not been reported in the literature in individuals affected with RECQL4-related conditions. ClinVar contains an entry for this variant (Variation ID: 528924). Invitae Evidence Modeling of protein sequence and biophysical properties (such as structural, functional, and spatial information, amino acid conservation, physicochemical variation, residue mobility, and thermodynamic stability) indicates that this missense variant is not expected to disrupt RECQL4 protein function with a negative predictive value of 80%. In summary, the available evidence is currently insufficient to determine the role of this variant in disease. Therefore, it has been classified as a Variant of Uncertain Significance.

Breakthrough Genomics
Classification: Uncertain significance. Review status: criteria provided, single submitter. Criteria: ACMG Guidelines, 2015. Collection method: not provided. Allele origin: germline. Inheritance: Autosomal recessive inheritance. Affected: yes.

NM_004260.4(RECQL4):c.1940G>A (p.Arg647His)

Gene: RECQL4 (RecQ like helicase 4; minus strand). Cytogenetic location: 8q24.3.
Variant type: single nucleotide variant.
Coding change: c.1940G>A on transcript NM_004260.4 (MANE Select); coding-DNA position 1940, G replaced by A.
Protein change: p.Arg647His; replaces arginine 647 with histidine.
Molecular consequence: missense variant.
Genome position (GRCh38, 1-based): chr8:144,514,046, C>T on the plus strand (G>A on the coding strand, the complement: RECQL4 is on the minus strand). VCF-style: chr8-144514046-C-T. GRCh37 (hg19) VCF-style: chr8-145739430-C-T.
Other names: short protein forms R647H.
Identifiers: ClinVar variation 528924 (VCV000528924.8), dbSNP rs372664774, ClinGen allele CA4948567.